The following is an entry in ClinVar:

NM_003265.3(TLR3):c.1010G>A (p.Ser337Asn)

Gene: TLR3 (toll like receptor 3; plus strand). Cytogenetic location: 4q35.1.
Variant type: single nucleotide variant.
Coding change: c.1010G>A on transcript NM_003265.3 (MANE Select); coding-DNA position 1010, G replaced by A.
Protein change: p.Ser337Asn; replaces serine 337 with asparagine.
Molecular consequence: missense variant.
Genome position (GRCh38, 1-based): chr4:186,082,696, G>A. VCF-style: chr4-186082696-G-A. GRCh37 (hg19) VCF-style: chr4-187003850-G-A.
Other names: c.1010G>A (NM_003265.2); short protein forms S337N.
Identifiers: ClinVar variation 1429537 (VCV001429537.7), dbSNP rs759819677, ClinGen allele CA3161341.
Genomic context (GRCh38, chr4:186,082,696, plus strand): 5'-CTTTGCACGGGCTTTTCAATGTGAGGTACCTGAATTTGAAACGGTCTTTTACTAAACAAA[G>A]TATTTCCCTTGCCTCACTCCCCAAGATTGATGATTTTTCTTTTCAGTGGCTAAAATGTTT-3'
Protein context (NP_003256.1, residues 327-347): LNLKRSFTKQ[Ser337Asn]ISLASLPKID

ClinVar aggregate classification (germline): Uncertain significance. Review status: criteria provided, multiple submitters, no conflicts (2 of 4 stars). 2 submissions from 2 submitters: Uncertain significance (2). Last evaluated 2025-11-13.

Conditions:
Encephalopathy, acute, infection-induced (herpes-specific), susceptibility to, 1. Also called: Herpes simplex encephalitis, susceptibility to, 1. Identifiers: Orphanet 1930, MedGen C2750180, MONDO:0024563, OMIM 610551.

Allele frequency attached by ClinVar (database versions not stated): gnomAD 0.00004 and 0.00005; ExAC 0.00001; TOPMed 0.00004; gnomAD exomes 0.00002.
gnomAD v4.1: 15 of 1,613,936 alleles (0.00093%); highest among the groups gnomAD compares: African/African-American, 0.019%; no homozygotes.

Submissions (2):

Ambry Genetics
Classification: Uncertain significance. Last evaluated: 2025-11-13. Review status: criteria provided, single submitter. Criteria: Ambry Variant Classification Scheme 2023. Collection method: clinical testing. Allele origin: germline.

Labcorp Genetics (formerly Invitae), Labcorp
Classification: Uncertain significance for Encephalopathy, acute, infection-induced (herpes-specific), susceptibility to, 1. Last evaluated: 2025-10-27. Review status: criteria provided, single submitter. Criteria: Invitae Variant Classification Sherloc (09022015). Collection method: clinical testing. Allele origin: germline.
Comment: This sequence change replaces serine, which is neutral and polar, with asparagine, which is neutral and polar, at codon 337 of the TLR3 protein (p.Ser337Asn). This variant is present in population databases (rs759819677, gnomAD 0.04%). This variant has not been reported in the literature in individuals affected with TLR3-related conditions. ClinVar contains an entry for this variant (Variation ID: 1429537). An algorithm developed to predict the effect of missense changes on protein structure and function outputs the following: PolyPhen-2: "Benign". The asparagine amino acid residue is found in multiple mammalian species, which suggests that this missense change does not adversely affect protein function. In summary, the available evidence is currently insufficient to determine the role of this variant in disease. Therefore, it has been classified as a Variant of Uncertain Significance.